The following is an entry in ClinVar:

NM_024642.5(GALNT12):c.169C>G (p.Arg57Gly)

Gene: GALNT12 (polypeptide N-acetylgalactosaminyltransferase 12; plus strand). Cytogenetic location: 9q22.33.
Variant type: single nucleotide variant.
Coding change: c.169C>G on transcript NM_024642.5 (MANE Select); coding-DNA position 169, C replaced by G.
Protein change: p.Arg57Gly; replaces arginine 57 with glycine.
Molecular consequence: missense variant.
Genome position (GRCh38, 1-based): chr9:98,807,867, C>G. VCF-style: chr9-98807867-C-G. GRCh37 (hg19) VCF-style: chr9-101570149-C-G.
Other names: short protein forms R57G.
Identifiers: ClinVar variation 3280572 (VCV003280572.1).

ClinVar aggregate classification (germline): Uncertain significance (1 of 4 stars; one submission).

Submission:

Ambry Genetics
Classification: Uncertain significance. Last evaluated: 2024-04-19. Review status: criteria provided, single submitter. Criteria: Ambry Variant Classification Scheme 2023. Collection method: clinical testing. Allele origin: germline.
Comment: The p.R57G variant (also known as c.169C>G), located in coding exon 1 of the GALNT12 gene, results from a C to G substitution at nucleotide position 169. The arginine at codon 57 is replaced by glycine, an amino acid with dissimilar properties. This amino acid position is conserved. In addition, this alteration is predicted to be tolerated by in silico analysis. Based on the available evidence, the clinical significance of this variant remains unclear.